The following is an entry in ClinVar:

NM_199355.4(ADAMTS18):c.587G>A (p.Gly196Asp)

Gene: ADAMTS18 (ADAM metallopeptidase with thrombospondin type 1 motif 18; minus strand). Cytogenetic location: 16q23.1.
Variant type: single nucleotide variant.
Coding change: c.587G>A on transcript NM_199355.4 (MANE Select); coding-DNA position 587, G replaced by A.
Protein change: p.Gly196Asp; replaces glycine 196 with aspartic acid.
Molecular consequence: missense variant.
Genome position (GRCh38, 1-based): chr16:77,367,632, C>T on the plus strand (G>A on the coding strand, the complement: ADAMTS18 is on the minus strand). VCF-style: chr16-77367632-C-T. GRCh37 (hg19) VCF-style: chr16-77401529-C-T.
Other names: c.67G>A, p.Val23Ile (NM_001326358.2); c.587G>A (NM_199355.2); short protein forms V23I, G196D.
Identifiers: ClinVar variation 949275 (VCV000949275.10), dbSNP rs749747901, ClinGen allele CA8181624.
Genomic context (GRCh38, chr16:77,367,632, plus strand): 5'-CCACGGTACCGCTGGATCTTCTCCTCTGCTGTCCTTTTGTACAGTACGTGAGGATGGTGA[C>T]CCGCAGGGGAGCTGTAGTTGTGTTCCTGGGCCAGAAGCTGAGGTAATGGCGAGATGAGGA-3'
Protein context (NP_955387.1, residues 186-206): AQEHNYSSPA[Gly196Asp]HHPHVLYKRT

ClinVar aggregate classification (germline): Uncertain significance. Review status: criteria provided, multiple submitters, no conflicts (2 of 4 stars). 3 submissions from 3 submitters: Uncertain significance (3). Last evaluated 2025-11-20.

Conditions:
Inborn genetic diseases. Identifiers: MedGen C0950123, MeSH D030342.

Allele frequency attached by ClinVar (database versions not stated): ExAC 0.00001; gnomAD exomes 0.00002; TOPMed 0.00002; gnomAD 0.00003.

Submissions (3):

Ambry Genetics
Classification: Uncertain significance for Inborn genetic diseases. Last evaluated: 2025-11-20. Review status: criteria provided, single submitter. Criteria: Ambry Variant Classification Scheme 2023. Collection method: clinical testing. Allele origin: germline.

Blueprint Genetics
Classification: Uncertain significance. Last evaluated: 2023-01-24. Review status: criteria provided, single submitter. Criteria: ACMG Guidelines, 2015. Collection method: clinical testing. Allele origin: germline.

Labcorp Genetics (formerly Invitae), Labcorp
Classification: Uncertain significance. Last evaluated: 2020-02-22. Review status: criteria provided, single submitter. Criteria: Invitae Variant Classification Sherloc (09022015). Collection method: clinical testing. Allele origin: germline.
Comment: This sequence change replaces glycine with aspartic acid at codon 196 of the ADAMTS18 protein (p.Gly196Asp). The glycine residue is highly conserved and there is a moderate physicochemical difference between glycine and aspartic acid. This variant is present in population databases (rs749747901, ExAC 0.001%). This variant has not been reported in the literature in individuals with ADAMTS18-related conditions. Algorithms developed to predict the effect of missense changes on protein structure and function are either unavailable or do not agree on the potential impact of this missense change (SIFT: "Deleterious"; PolyPhen-2: "Benign"; Align-GVGD: "Class C0"). In summary, the available evidence is currently insufficient to determine the role of this variant in disease. Therefore, it has been classified as a Variant of Uncertain Significance.